The following is an entry in ClinVar:

NM_001696.4(ATP6V1E1):c.500T>C (p.Ile167Thr)

Gene: ATP6V1E1 (ATPase H+ transporting V1 subunit E1; minus strand). Cytogenetic location: 22q11.21.
Variant type: single nucleotide variant.
Coding change: c.500T>C on transcript NM_001696.4 (MANE Select); coding-DNA position 500, T replaced by C.
Protein change: p.Ile167Thr; replaces isoleucine 167 with threonine.
Molecular consequence: missense variant.
Genome position (GRCh38, 1-based): chr22:17,598,224, A>G on the plus strand (T>C on the coding strand, the complement: ATP6V1E1 is on the minus strand). VCF-style: chr22-17598224-A-G. GRCh37 (hg19) VCF-style: chr22-18080990-A-G.
Other names: c.434T>C, p.Ile145Thr (NM_001039366.1); c.410T>C, p.Ile137Thr (NM_001039367.1); short protein forms I137T, I145T, I167T.
Identifiers: ClinVar variation 3361064 (VCV003361064.1).
Genomic context (GRCh38, chr22:17,598,224, plus strand): 5'-GTAGCTGTTAGCAGCAGGAATACTCCTTACATGTCTTCAGGCAGGTAGGACTCCTGGTCA[A>G]TTTGGACATCAACATCGTTTTTGGTGGCAATTTTGTACATAGGAATTGCCTTCTGCACTG-3'
Protein context (NP_001687.1, residues 157-177): IATKNDVDVQ[Ile167Thr]DQESYLPEDI

ClinVar aggregate classification (germline): Uncertain significance (1 of 4 stars; one submission).

gnomAD v4.1: 1 of 1,614,032 alleles (0.000062%); highest among the groups gnomAD compares: Non-Finnish European, 0.000085%; no homozygotes.

Submission:

GeneDx
Classification: Uncertain significance. Last evaluated: 2023-07-11. Review status: criteria provided, single submitter. Criteria: GeneDx Variant Classification Process June 2021. Collection method: clinical testing. Allele origin: germline. Affected: yes.
Comment: Not observed at significant frequency in large population cohorts (gnomAD); In silico analysis supports that this missense variant has a deleterious effect on protein structure/function; Has not been previously published as pathogenic or benign to our knowledge